The following is an entry in ClinVar:

ClinVar aggregate classification (germline): Uncertain significance (1 of 4 stars; one submission).

Conditions:
Lymphatic malformation 7 (LMPHM7). Also called: Hydrops fetalis, nonimmune, and/or atrial septal defect, susceptibility to. Identifiers: MedGen C4310629, MONDO:0015009, OMIM 617300.

Allele frequency attached by ClinVar (database versions not stated): gnomAD exomes 0.00001; ExAC 0.00002.
gnomAD v4.1: 17 of 1,613,012 alleles (0.0011%); highest among the groups gnomAD compares: South Asian, 0.0077%; no homozygotes.

Submission:

Clinical Genomics Laboratory, Washington University in St. Louis
Classification: Uncertain significance for Lymphatic malformation 7. Last evaluated: 2024-03-19. Review status: criteria provided, single submitter. Criteria: ACMG Guidelines, 2015. Collection method: clinical testing. Allele origin: germline.
Comment: The EPHB4 c.2785G>A (p.Ala929Thr) variant was identified at a near heterozygous allelic fraction consistent with germline origin. This variant has been reported in a somatic state in a lung tumor sample (Chen F et al., PMID: 33811447). This variant is only observed on 17/1,613,012 alleles in the general population (gnomAD v.4.0.0), indicating it is not a common variant. Computational predictors suggest that the variant does not impact EPHB4 function. Due to limited information, and based on ACMG/AMP guidelines for variant interpretation (Richards S et al., PMID: 25741868), the clinical significance of this variant is uncertain at this time.

NM_004444.5(EPHB4):c.2785G>A (p.Ala929Thr)

Gene: EPHB4 (EPH receptor B4; minus strand). Cytogenetic location: 7q22.1.
Variant type: single nucleotide variant.
Coding change: c.2785G>A on transcript NM_004444.5 (MANE Select); coding-DNA position 2785, G replaced by A.
Protein change: p.Ala929Thr; replaces alanine 929 with threonine.
Molecular consequence: missense variant.
Genome position (GRCh38, 1-based): chr7:100,805,215, C>T on the plus strand (G>A on the coding strand, the complement: EPHB4 is on the minus strand). VCF-style: chr7-100805215-C-T. GRCh37 (hg19) VCF-style: chr7-100402837-C-T.
Other names: short protein forms A929T.
Identifiers: ClinVar variation 3237427 (VCV003237427.1), dbSNP rs774821339.